The following is an entry in ClinVar:

NM_001363711.2(DUOX2):c.4395+11G>T

Gene: DUOX2 (dual oxidase 2; minus strand). Cytogenetic location: 15q21.1.
Variant type: single nucleotide variant.
Coding change: c.4395+11G>T on transcript NM_001363711.2 (MANE Select); 11 bases into the intron after coding-DNA position 4395, G replaced by T.
Molecular consequence: intron variant.
Genome position (GRCh38, 1-based): chr15:45,094,925, C>A on the plus strand (G>T on the coding strand, the complement: DUOX2 is on the minus strand). VCF-style: chr15-45094925-C-A. GRCh37 (hg19) VCF-style: chr15-45387123-C-A.
Other names: c.4395+11G>T (NM_014080.5).
Identifiers: ClinVar variation 2092787 (VCV002092787.4), dbSNP rs547305046, ClinGen allele CA7537550.

ClinVar aggregate classification (germline): Uncertain significance (1 of 4 stars; one submission).

Allele frequency attached by ClinVar (database versions not stated): TOPMed below 0.00001; ExAC 0.00001; gnomAD 0.00001; 1000 Genomes Project 30x 0.00016; 1000 Genomes Project 0.00020.
gnomAD v4.1: 2 of 1,613,776 alleles (0.00012%); highest among the groups gnomAD compares: Admixed American, 0.0017%; no homozygotes.

Submission:

Labcorp Genetics (formerly Invitae), Labcorp
Classification: Uncertain significance. Last evaluated: 2023-06-23. Review status: criteria provided, single submitter. Criteria: Invitae Variant Classification Sherloc (09022015). Collection method: clinical testing. Allele origin: germline.
Comment: This variant has not been reported in the literature in individuals affected with DUOX2-related conditions. This variant is present in population databases (rs547305046, gnomAD 0.003%). This sequence change falls in intron 32 of the DUOX2 gene. It does not directly change the encoded amino acid sequence of the DUOX2 protein. In summary, the available evidence is currently insufficient to determine the role of this variant in disease. Therefore, it has been classified as a Variant of Uncertain Significance. Algorithms developed to predict the effect of sequence changes on RNA splicing suggest that this variant may create or strengthen a splice site. ClinVar contains an entry for this variant (Variation ID: 2092787).